The following is an entry in ClinVar:

ClinVar aggregate classification (germline): Uncertain significance. Review status: criteria provided, single submitter (1 of 4 stars). 2 submissions from 2 submitters: Uncertain significance (1). 1 of the submissions does not count toward it. Last evaluated 2025-11-22.

Conditions:
Optic atrophy. Identifiers: MedGen C0029124, MONDO:0003608, HP:0000648.
3-Methylglutaconic aciduria type 3 (MGCA3). Also called: Costeff Syndrome; OPA3, AUTOSOMAL RECESSIVE; OPTIC ATROPHY 3, AUTOSOMAL RECESSIVE; OPA3-Related 3-Methylglutaconic Aciduria. Identifiers: Orphanet 67047, MedGen C0574084, MONDO:0009787, OMIM 258501.
Optic atrophy 3 (OPA3). Also called: Optic atrophy, cataract, and neurologic disorder; OPTIC ATROPHY 3, AUTOSOMAL DOMINANT; Optic atrophy 3 with cataract. Identifiers: Orphanet 67036, MedGen C1833809, MONDO:0008133, OMIM 165300.

Allele frequency attached by ClinVar (database versions not stated): gnomAD exomes below 0.00001 and 0.00004; TOPMed 0.00002.
gnomAD v4.1: 55 of 1,614,068 alleles (0.0034%); highest among the groups gnomAD compares: Non-Finnish European, 0.0045%; no homozygotes.

Submissions (2):

Labcorp Genetics (formerly Invitae), Labcorp
Classification: Uncertain significance for 3-Methylglutaconic aciduria type 3; Optic atrophy 3. Last evaluated: 2025-11-22. Review status: criteria provided, single submitter. Criteria: Invitae Variant Classification Sherloc (09022015). Collection method: clinical testing. Allele origin: germline.
Comment: This sequence change replaces valine, which is neutral and non-polar, with isoleucine, which is neutral and non-polar, at codon 19 of the OPA3 protein (p.Val19Ile). This variant is present in population databases (no rsID available, gnomAD 0.002%). This variant has not been reported in the literature in individuals affected with OPA3-related conditions. ClinVar contains an entry for this variant (Variation ID: 585025). An algorithm developed to predict the effect of missense changes on protein structure and function outputs the following: PolyPhen-2: "Benign". The isoleucine amino acid residue is found in multiple mammalian species, which suggests that this missense change does not adversely affect protein function. In summary, the available evidence is currently insufficient to determine the role of this variant in disease. Therefore, it has been classified as a Variant of Uncertain Significance.

Institute of Human Genetics, Univ. Regensburg, Univ. Regensburg
Classification: Uncertain significance for Optic atrophy. Last evaluated: 2022-01-01. Review status: no assertion criteria provided. Criteria: ACMG Guidelines, 2015. Collection method: clinical testing. Allele origin: germline. Affected: yes. Not counted in ClinVar's aggregate classification.

NM_025136.4(OPA3):c.55G>A (p.Val19Ile)

Genes: OPA3 (outer mitochondrial membrane lipid metabolism regulator OPA3; minus strand), OPA3-RTN2 (OPA3-RTN2 readthrough; minus strand), LOC130064709 (ATAC-STARR-seq lymphoblastoid active region 14802; plus strand). Cytogenetic location: 19q13.32.
Variant type: single nucleotide variant.
Coding change: c.55G>A on transcript NM_025136.4 (MANE Select); coding-DNA position 55, G replaced by A.
Protein change: p.Val19Ile; replaces valine 19 with isoleucine.
Molecular consequence: missense variant.
Genome position (GRCh38, 1-based): chr19:45,584,710, C>T on the plus strand (G>A on the coding strand, the complement: OPA3 is on the minus strand). VCF-style: chr19-45584710-C-T. GRCh37 (hg19) VCF-style: chr19-46087968-C-T.
Other names: c.55G>A, p.Val19Ile (NM_001017989.3); short protein forms V19I.
Identifiers: ClinVar variation 585025 (VCV000585025.7), dbSNP rs1343690502, ClinGen allele CA406378711.